The following is an entry in ClinVar:

ClinVar aggregate classification (germline): Conflicting classifications of pathogenicity. Review status: criteria provided, conflicting classifications (1 of 4 stars). 10 submissions from 10 submitters: Uncertain significance (6); Likely benign (1). 3 of the submissions do not count toward it. Last evaluated 2025-12-18.

Conditions:
Cardiovascular phenotype. Identifiers: MedGen CN230736.
MYBPC3-related disorder. Also called: MYBPC3-related disorders; MYBPC3-related condition; MYBPC3-related disease.
Cardiomyopathy (CMYO). Also called: Cardiomyopathies. Identifiers: Orphanet 167848, MedGen C0878544, MONDO:0004994, HP:0001638. Inheritance: Various modes of inheritance.
Hypertrophic cardiomyopathy. Also called: HYPERTROPHIC MYOCARDIOPATHY. Identifiers: Orphanet 217569, MedGen C0007194, MeSH D002312, MONDO:0005045, HP:0001639.

Allele frequency attached by ClinVar (database versions not stated): gnomAD 0.00003; gnomAD exomes 0.00004 and 0.00009; TOPMed 0.00006; ExAC 0.00012.
gnomAD v4.1: 67 of 1,612,102 alleles (0.0042%); highest among the groups gnomAD compares: Admixed American, 0.042%; no homozygotes.

Submissions (10):

Color Diagnostics, LLC DBA Color Health
Classification: Uncertain significance for Cardiomyopathy. Last evaluated: 2025-12-18. Review status: criteria provided, single submitter. Criteria: ACMG Guidelines, 2015. Collection method: clinical testing. Allele origin: germline.
Comment: This missense variant replaces glutamic acid with lysine at codon 223 of the MYBPC3 protein. Computational prediction is inconclusive regarding the impact of this variant on protein structure and function. To our knowledge, functional studies have not been reported for this variant. This variant has been reported in individuals affected with hypertrophic cardiomyopathy (PMID:25611685), and in ore case also carried a pathogenic truncation variant in the same gene (PMID: 28771489). This variant has also been reported in one individual affected with cardiomyopathy, who also carried biallelic variants in the ALPK3 gene (PMID: 36660067, 38002985)and in one individual affected with an unspecified cardiomyopathy (PMID: 37477868). This variant has been identified in 67/1612102 chromosomes in the general population by the Genome Aggregation Database (gnomAD). The available evidence is insufficient to determine the role of this variant in disease conclusively. Therefore, this variant is classified as a Variant of Uncertain Significance.

Labcorp Genetics (formerly Invitae), Labcorp
Classification: Uncertain significance for Hypertrophic cardiomyopathy. Last evaluated: 2025-10-13. Review status: criteria provided, single submitter. Criteria: Invitae Variant Classification Sherloc (09022015). Collection method: clinical testing. Allele origin: germline.
Comment: This sequence change replaces glutamic acid, which is acidic and polar, with lysine, which is basic and polar, at codon 223 of the MYBPC3 protein (p.Glu223Lys). This variant is present in population databases (rs397516069, gnomAD 0.06%), and has an allele count higher than expected for a pathogenic variant. This missense change has been observed in individual(s) with hypertrophic cardiomyopathy and MYBPC3-related conditions (PMID: 28771489, 37477868, 37652022, 38002985). This missense change has been observed to co-occur in individuals with a different variant in MYBPC3 that has been determined to be pathogenic (PMID: 28771489), but the significance of this finding is unclear. ClinVar contains an entry for this variant (Variation ID: 42785). An algorithm developed to predict the effect of missense changes on protein structure and function (PolyPhen-2) suggests that this variant is likely to be disruptive. In summary, the available evidence is currently insufficient to determine the role of this variant in disease. Therefore, it has been classified as a Variant of Uncertain Significance.

All of Us Research Program, National Institutes of Health
Classification: Uncertain significance for Hypertrophic cardiomyopathy. Last evaluated: 2024-05-30. Review status: criteria provided, single submitter. Criteria: ACMG Guidelines, 2015. Collection method: clinical testing. Allele origin: germline. Inheritance: Autosomal dominant inheritance. Observed: 7 variant alleles, 7 heterozygotes.
Comment: This missense variant replaces glutamic acid with lysine at codon 223 of the MYBPC3 protein. Computational prediction tools indicate that this variant has a deleterious impact on protein structure and function. To our knowledge, functional studies have not been reported for this variant. This variant has been reported in one individual affected with hypertrophic cardiomyopathy, who also carried a pathogenic truncation variant in the same gene (PMID: 28771489). This variant has also been reported in one individual affected with cardiomyopathy, who also carried biallelic variants in the ALPK3 gene (PMID: 36660067, 38002985); and in one individual affected with an unspecified cardiomyopathy (PMID: 37477868). This variant has been identified in 23/245622 chromosomes in the general population by the Genome Aggregation Database (gnomAD). The elevated variant allele frequency in the general population indicates that this variant may not be disease-causing. However, additional studies are necessary to determine the role of this variant in disease conclusively. Therefore, this variant is classified as a Variant of Uncertain Significance.

This study involves interpretation of variants in research participants for the purpose of population health screening. Participant phenotype was not available at the time of variant classification. Additional details can be found in publication PMID: 35346344, PMCID: PMC8962531

Blueprint Genetics
Classification: Uncertain significance. Last evaluated: 2024-05-16. Review status: criteria provided, single submitter. Criteria: ACMG Guidelines, 2015. Collection method: clinical testing. Allele origin: germline.

Women's Health and Genetics/Laboratory Corporation of America, LabCorp
Classification: Uncertain significance. Last evaluated: 2023-10-12. Review status: criteria provided, single submitter. Criteria: LabCorp Variant Classification Summary - May 2015. Collection method: clinical testing. Allele origin: germline.
Comment: Variant summary: MYBPC3 c.667G>A (p.Glu223Lys) results in a conservative amino acid change located in the Immunoglobulin subtype (IPR003599) of the encoded protein sequence. Four of five in-silico tools predict a damaging effect of the variant on protein function. The variant allele was found at a frequency of 9.4e-05 in 245622 control chromosomes. This frequency is not significantly higher than estimated for a pathogenic variant in MYBPC3 causing Cardiomyopathy (9.4e-05 vs 0.001), allowing no conclusion about variant significance. c.667G>A has been reported in the literature in an individual affected with Cardiomyopathy (Mademont-Soler_2017), also carrying a pathogenic variant (MYBPC3 c.2190del, p.K731Rfs*23), providing supporting evidence for a benign role. To our knowledge, no experimental evidence demonstrating an impact on protein function has been reported. The following publication have been ascertained in the context of this evaluation (PMID: 28771489). Three submitters have cited clinical-significance assessments for this variant to ClinVar after 2014. All submitters classified the variant as uncertain significance. Based on the evidence outlined above, the variant was classified as uncertain significance.

Ambry Genetics
Classification: Likely benign for Cardiovascular phenotype. Last evaluated: 2023-09-15. Review status: criteria provided, single submitter. Criteria: Ambry Variant Classification Scheme 2023. Collection method: clinical testing. Allele origin: germline.

Laboratory for Molecular Medicine, Mass General Brigham Personalized Medicine
Classification: Uncertain significance. Last evaluated: 2015-03-30. Review status: criteria provided, single submitter. Criteria: LMM Criteria. Collection method: clinical testing. Allele origin: germline. Observed: 2 variant alleles.
Comment: This variant has been identified in 0.1% (11/8852) of Latino chromosome s by the Exome Aggregation Consortium (ExAC; dbS NP rs397516069). Computational prediction tools and conservation analysis sugges t that the p.Glu223Lys variant may impact the protein, though this information i s not predictive enough to determine pathogenicity. In summary, the clinical sig nificance of the p.Glu223Lys variant is uncertain.

PreventionGenetics, part of Exact Sciences
Classification: Likely benign for MYBPC3-related condition. Last evaluated: 2020-04-01. Review status: no assertion criteria provided. Collection method: clinical testing. Allele origin: germline. Not counted in ClinVar's aggregate classification.
Comment: This variant is classified as likely benign based on ACMG/AMP sequence variant interpretation guidelines (Richards et al. 2015 PMID: 25741868, with internal and published modifications).

Clinical Genetics, Academic Medical Center
Classification: Uncertain significance. Review status: no assertion criteria provided. Collection method: clinical testing. Allele origin: germline. Affected: yes. Study: VKGL Data-share Consensus. Not counted in ClinVar's aggregate classification.

Joint Genome Diagnostic Labs from Nijmegen and Maastricht, Radboudumc and MUMC+
Classification: Uncertain significance. Review status: no assertion criteria provided. Collection method: clinical testing. Allele origin: germline. Affected: yes. Study: VKGL Data-share Consensus. Not counted in ClinVar's aggregate classification.

Literature cited by the submitters: PubMed 25611685 (cited by Color Diagnostics, LLC DBA Color Health and Ambry Genetics); PubMed 28771489 (cited by 5 submitters); PubMed 36660067 (cited by 3 submitters); PubMed 37477868 (cited by 4 submitters); PubMed 38002985 (cited by 3 submitters); PubMed 37652022 (cited by Labcorp Genetics (formerly Invitae), Labcorp).

NM_000256.3(MYBPC3):c.667G>A (p.Glu223Lys)

Gene: MYBPC3 (myosin binding protein C3; minus strand). Cytogenetic location: 11p11.2.
Variant type: single nucleotide variant.
Coding change: c.667G>A on transcript NM_000256.3 (MANE Select); coding-DNA position 667, G replaced by A.
Protein change: p.Glu223Lys; replaces glutamic acid 223 with lysine.
Molecular consequence: missense variant.
Genome position (GRCh38, 1-based): chr11:47,348,529, C>T on the plus strand (G>A on the coding strand, the complement: MYBPC3 is on the minus strand). VCF-style: chr11-47348529-C-T. GRCh37 (hg19) VCF-style: chr11-47370080-C-T.
Other names: short protein forms E223K.
Identifiers: ClinVar variation 42785 (VCV000042785.23), dbSNP rs397516069, ClinGen allele CA015685.